The following is an entry in ClinVar:

ClinVar aggregate classification (germline): Uncertain significance (1 of 4 stars; one submission).

Conditions:
Muscular dystrophy-dystroglycanopathy (congenital with impaired intellectual development), type B, 14. Also called: Congenital muscular dystrophy-dystroglycanopathy with mental retardation, type B14; Muscular dystrophy-dystroglycanopathy (congenital with intellectual disability), type B14; MUSCULAR DYSTROPHY, CONGENITAL, GMPPB-RELATED. Identifiers: MedGen C3809221, MONDO:0014141, OMIM 615351.
Autosomal recessive limb-girdle muscular dystrophy type 2T. Also called: Limb-girdle muscular dystrophy-dystroglycanopathy, type C14; MUSCULAR DYSTROPHY-DYSTROGLYCANOPATHY, LIMB-GIRDLE, GMPPB-RELATED; MUSCULAR DYSTROPHY, LIMB-GIRDLE, TYPE 2T; Muscular dystrophy-dystroglycanopathy (limb-girdle), type c, 14. Identifiers: Orphanet 363623, MedGen C4518000, MONDO:0014142, OMIM 615352.
Muscular dystrophy-dystroglycanopathy (congenital with brain and eye anomalies), type A14. Also called: Congenital muscular dystrophy-dystroglycanopathy with brain and eye anomalies, type A14; WALKER-WARBURG SYNDROME OR MUSCLE-EYE-BRAIN DISEASE, GMPPB-RELATED; Muscular dystrophy-dystroglycanopathy (congenital with brain and eye anomalies), type a, 14; Congenital Muscular Dystrophy-Dystroglycanopathy with Brain and Eye Anomalies Type A 14. Identifiers: Orphanet 588, MedGen C3809216, MONDO:0014140, OMIM 615350.

gnomAD v4.1: 1 of 1,591,376 alleles (0.000063%); highest among the groups gnomAD compares: African/African-American, 0.0013%; no homozygotes.

Submission:

Labcorp Genetics (formerly Invitae), Labcorp
Classification: Uncertain significance for Autosomal recessive limb-girdle muscular dystrophy type 2T; Muscular dystrophy-dystroglycanopathy (congenital with brain and eye anomalies), type A14; Muscular dystrophy-dystroglycanopathy (congenital with impaired intellectual development), type B, 14. Last evaluated: 2021-05-17. Review status: criteria provided, single submitter. Criteria: Invitae Variant Classification Sherloc (09022015). Collection method: clinical testing. Allele origin: germline.
Comment: This sequence change affects codon 43 of the GMPPB mRNA. It is a 'silent' change, meaning that it does not change the encoded amino acid sequence of the GMPPB protein. This variant also falls at the last nucleotide of exon 1, which is part of the consensus splice site for this exon. In summary, the available evidence is currently insufficient to determine the role of this variant in disease. Therefore, it has been classified as a Variant of Uncertain Significance. Nucleotide substitutions within the consensus splice site are a relatively common cause of aberrant splicing (PMID: 17576681, 9536098). Algorithms developed to predict the effect of sequence changes on RNA splicing suggest that this variant may disrupt the consensus splice site, but this prediction has not been confirmed by published transcriptional studies. This variant has not been reported in the literature in individuals with GMPPB-related conditions. This variant is not present in population databases (ExAC no frequency).

Literature cited by the submitters: PubMed 17576681; PubMed 9536098.

NM_021971.4(GMPPB):c.129G>A (p.Ala43=)

Gene: GMPPB (GDP-mannose pyrophosphorylase B; minus strand). Cytogenetic location: 3p21.31.
Variant type: single nucleotide variant.
Coding change: c.129G>A on transcript NM_021971.4 (MANE Select); coding-DNA position 129, G replaced by A.
Protein change: p.Ala43=; no amino-acid change (alanine 43 retained).
Molecular consequence: synonymous variant.
Genome position (GRCh38, 1-based): chr3:49,723,598, C>T on the plus strand (G>A on the coding strand, the complement: GMPPB is on the minus strand). VCF-style: chr3-49723598-C-T. GRCh37 (hg19) VCF-style: chr3-49761031-C-T.
Other names: c.129G>A, p.Ala43= (NM_013334.4).
Identifiers: ClinVar variation 1354192 (VCV001354192.4), dbSNP rs2108213396, ClinGen allele CA433851154.
Genomic context (GRCh38, chr3:49,723,598, plus strand): 5'-CTGGCCATCCCTAGTCCCGCCAGATCCGAACGCGACTCTGATCCCGACCCAGGGTCTTAC[C>T]GCGGCTAGCGCCTCCACTTGGTGCAGCAAGATGGGCTTATTGCAGAAGTCCACCAGTGGC-3'
Protein context (NP_068806.2, residues 33-53): ILLHQVEALA[Ala43=]AGVDHVILAV